The following is an entry in ClinVar:

ClinVar aggregate classification (germline): Uncertain significance (1 of 4 stars; one submission).

Allele frequency attached by ClinVar (database versions not stated): gnomAD exomes below 0.00001.
gnomAD v4.1: 1 of 1,603,200 alleles (0.000062%); highest among the groups gnomAD compares: East Asian, 0.0022%; no homozygotes.

Submission:

Labcorp Genetics (formerly Invitae), Labcorp
Classification: Uncertain significance. Last evaluated: 2024-02-23. Review status: criteria provided, single submitter. Criteria: Invitae Variant Classification Sherloc (09022015). Collection method: clinical testing. Allele origin: germline.
Comment: This sequence change replaces asparagine, which is neutral and polar, with aspartic acid, which is acidic and polar, at codon 2190 of the HMCN1 protein (p.Asn2190Asp). This variant is present in population databases (no rsID available, gnomAD 0.006%). This variant has not been reported in the literature in individuals affected with HMCN1-related conditions. An algorithm developed to predict the effect of missense changes on protein structure and function (PolyPhen-2) suggests that this variant is likely to be disruptive. In summary, the available evidence is currently insufficient to determine the role of this variant in disease. Therefore, it has been classified as a Variant of Uncertain Significance.

NM_031935.3(HMCN1):c.6568A>G (p.Asn2190Asp)

Gene: HMCN1 (hemicentin 1; plus strand). Cytogenetic location: 1q31.1.
Variant type: single nucleotide variant.
Coding change: c.6568A>G on transcript NM_031935.3 (MANE Select); coding-DNA position 6568, A replaced by G.
Protein change: p.Asn2190Asp; replaces asparagine 2190 with aspartic acid.
Molecular consequence: missense variant.
Genome position (GRCh38, 1-based): chr1:186,048,830, A>G. VCF-style: chr1-186048830-A-G. GRCh37 (hg19) VCF-style: chr1-186017962-A-G.
Other names: short protein forms N2190D.
Identifiers: ClinVar variation 3022423 (VCV003022423.3), dbSNP rs1200350664, ClinGen allele CA343900673.